The following is an entry in ClinVar:

NM_000207.3(INS):c.265C>T (p.Arg89Cys)

Genes: INS (insulin; minus strand), INS-IGF2 (INS-IGF2 readthrough; minus strand). Cytogenetic location: 11p15.5.
Variant type: single nucleotide variant.
Coding change: c.265C>T on transcript NM_000207.3 (MANE Select); coding-DNA position 265, C replaced by T.
Protein change: p.Arg89Cys; replaces arginine 89 with cysteine.
Molecular consequence: missense variant. On other transcripts: intron variant (1).
Genome position (GRCh38, 1-based): chr11:2,159,920, G>A on the plus strand (C>T on the coding strand, the complement: INS is on the minus strand). VCF-style: chr11-2159920-G-A. GRCh37 (hg19) VCF-style: chr11-2181150-G-A.
Other names: c.265C>T, p.Arg89Cys (NM_001185097.2, NM_001185098.2, NM_001291897.2); c.187+865C>T (NM_001042376.3); short protein forms R89C.
Identifiers: ClinVar variation 21117 (VCV000021117.20), dbSNP rs80356669, ClinGen allele CA341644.

ClinVar aggregate classification (germline): Pathogenic/Likely pathogenic. Review status: criteria provided, multiple submitters, no conflicts (2 of 4 stars). 11 submissions from 11 submitters: Pathogenic (5); Likely pathogenic (1). 5 of the submissions do not count toward it. Last evaluated 2026-04-29.

Conditions:
INS-related disorders.
INS-related disorder. Also called: INS-related condition.
Diabetes mellitus, permanent neonatal 4. Also called: INS-Related Permanent Neonatal Diabetes Mellitus. Identifiers: MedGen C5394307, MONDO:0030089, OMIM 618858.
Neonatal diabetes mellitus (NDM). Identifiers: Orphanet 224, MedGen C0158981, MONDO:0016391.
Permanent neonatal diabetes mellitus (PNDM). Identifiers: Orphanet 99885, MedGen C1833104, MONDO:0100164, MONDO:0011643. Disease mechanism: gain of function.

Submissions (11):

Department of Precision Medicine, Korea National Institute of Health
Classification: Pathogenic for Diabetes mellitus, permanent neonatal 4. Last evaluated: 2026-04-29. Review status: criteria provided, single submitter. Criteria: ACMG Guidelines, 2015. Collection method: research. Allele origin: de novo. Affected: yes. Observed: 1 variant allele.
Comment: PP5 (ClinVar classifies this variant as Pathogenic, 2 stars, citing 7 articles, UniProt Variants classifies this variant as Pathogenic, LOVD classifies this variant as Pathogenic), PM1 (Hot-spot of length 17 amino-acids has 20 missense/in-frame variants), PM5 (3 pathogenic alternative variants identified), PP3 (MetaRNN = 0.975), PM2 (Variant not found in gnomAD)

Labcorp Genetics (formerly Invitae), Labcorp
Classification: Pathogenic. Last evaluated: 2023-06-17. Review status: criteria provided, single submitter. Criteria: Invitae Variant Classification Sherloc (09022015). Collection method: clinical testing. Allele origin: germline.
Comment: ClinVar contains an entry for this variant (Variation ID: 21117). This missense change has been observed in individual(s) with autosomal dominant neonatal diabetes (PMID: 17855560, 22957706). In at least one individual the variant was observed to be de novo. It has also been observed to segregate with disease in related individuals. This variant is not present in population databases (gnomAD no frequency). This sequence change replaces arginine, which is basic and polar, with cysteine, which is neutral and slightly polar, at codon 89 of the INS protein (p.Arg89Cys). An algorithm developed to predict the effect of missense changes on protein structure and function (PolyPhen-2) suggests that this variant is likely to be disruptive. For these reasons, this variant has been classified as Pathogenic.

GeneDx
Classification: Pathogenic. Last evaluated: 2023-03-03. Review status: criteria provided, single submitter. Criteria: GeneDx Variant Classification Process June 2021. Collection method: clinical testing. Allele origin: germline. Affected: yes.
Comment: Published in vitro functional studies suggest a negative effect on subcellular insulin localization and incomplete processing of proinsulin to insulin, but no inhibition of wildtype insulin secretion (Rajan et al., 2010); Not observed in large population cohorts (gnomAD); In silico analysis, which includes protein predictors and evolutionary conservation, supports a deleterious effect; This variant is associated with the following publications: (PMID: 28597946, 23074673, 23771172, 18162506, 20034470, 22957706, 17855560, 19900242, 28667717, 23050777, 25555642, 18171712, 28323911, 31605659, 35518939, 34593315, 32792356, 19952343)

Blueprint Genetics
Classification: Pathogenic for INS-related disorders. Last evaluated: 2017-09-15. Review status: criteria provided, single submitter. Criteria: ACMG Guidelines, 2015. Collection method: clinical testing. Allele origin: germline. Affected: yes. Observed: 1 variant allele.

Genetic Services Laboratory, University of Chicago
Classification: Pathogenic for Diabetes mellitus, permanent neonatal. Last evaluated: 2015-03-04. Review status: criteria provided, single submitter. Criteria: ACMG Guidelines, 2015. Collection method: clinical testing. Allele origin: germline. Affected: yes.

Molecular Genetics, Madras Diabetes Research Foundation
Classification: Likely pathogenic for Neonatal diabetes mellitus. Review status: criteria provided, single submitter. Criteria: ACMG Guidelines, 2015. Collection method: clinical testing. Allele origin: germline. Affected: yes.

PreventionGenetics, part of Exact Sciences
Classification: Pathogenic for INS-related condition. Last evaluated: 2024-05-10. Review status: no assertion criteria provided. Collection method: clinical testing. Allele origin: germline. Not counted in ClinVar's aggregate classification.
Comment: The INS c.265C>T variant is predicted to result in the amino acid substitution p.Arg89Cys. This variant, also known as p.Arg65Cys using legacy nomenclature, has been reported in several individuals, often occurring de novo, with permanent neonatal diabetes (Støy et al. 2007. PubMed ID: 17855560; Moritani et al. 2012. PubMed ID: 22957706; Fu et al. 2019. PubMed ID: 31605659; Lin Y et al 2020. PubMed ID: 32792356; Globa et al. 2022. PubMed ID: 36398453). In vitro studies demonstrate that expression of this variant results in aberrant processing of proinsulin to insulin and retainment in the endoplasmic reticulum (Rajan et al. 2009. PubMed ID: 19952343; Park et al. 2009. PubMed ID: 20034470). This variant has not been reported in a large population database, indicating this variant is rare. Additionally, different missense changes impacting the same amino acid (p.Arg89Pro, p.Arg89His, and p.Arg89Leu) have also been reported in association with hyperproinsulinemia and diabetes (Robbins et al. 1984. PubMed ID: 6368587; Billings et al. 2022. PubMed ID: 36208030). Taken together, the c.265C>T (p.Arg89Cys) variant is interpreted as pathogenic.

OMIM
Classification: Pathogenic for DIABETES MELLITUS, PERMANENT NEONATAL, 4. Last evaluated: 2008-06-01. Review status: no assertion criteria provided. Collection method: literature only. Allele origin: germline. Not counted in ClinVar's aggregate classification.

GeneReviews
No classification provided. Condition: Permanent neonatal diabetes mellitus. Review status: no classification provided. Collection method: literature only. Allele origin: unknown. Not counted in ClinVar's aggregate classification.

UniProtKB/Swiss-Prot
No classification provided. Condition: Permanent neonatal diabetes mellitus. Review status: no classification provided. Collection method: not provided. Allele origin: not provided. Not counted in ClinVar's aggregate classification.

Clinical Genomics, Uppaluri K&H Personalized Medicine Clinic
Classification: Uncertain significance for Diabetes mellitus, permanent neonatal 4. Review status: flagged submission. Criteria: K & H Uppaluri Personalized Medicine Clinic Variant Classification & Assertion Criteria_Updated V.1. Collection method: research. Allele origin: unknown. Inheritance: Autosomal dominant inheritance. Not counted in ClinVar's aggregate classification.
Comment: Potent mutations in INS gene can cause early onset diabetes mellitus which is insulin dependent. May have poor response to sulfonylureas, as potent mutations in this gene can cause beta cell destruction.However, more evidence is required to confer the association of this particular variant R89C/ rs80356669 with Permanent neonatal diabetes mellitus(PNDM)
ClinVar note: Reason: Outlier claim with insufficient supporting evidence

Literature cited by the submitters: PubMed 17855560 (cited by Labcorp Genetics (formerly Invitae), Labcorp and OMIM); PubMed 22957706 (cited by Labcorp Genetics (formerly Invitae), Labcorp); PubMed 34593315 (cited by Molecular Genetics, Madras Diabetes Research Foundation); PubMed 18162506 (cited by OMIM and Clinical Genomics, Uppaluri K&H Personalized Medicine Clinic); PubMed 18171712 (cited by OMIM and GeneReviews); PubMed 18451997 (cited by OMIM); PubMed 17047922 (cited by GeneReviews); PubMed 20301620 (cited by GeneReviews); NCBI Bookshelf NBK1447 (cited by GeneReviews).